The following is an entry in ClinVar:

ClinVar aggregate classification (germline): Conflicting classifications of pathogenicity. Review status: criteria provided, conflicting classifications (1 of 4 stars). 3 submissions from 3 submitters: Uncertain significance (1); Likely benign (2). Last evaluated 2026-01-08.

Conditions:
ADAMTS17-related disorder. Also called: ADAMTS17-related condition.
Inborn genetic diseases. Identifiers: MedGen C0950123, MeSH D030342.

Allele frequency attached by ClinVar (database versions not stated): 1000 Genomes Project 0.00020; 1000 Genomes Project 30x 0.00047; ESP Exome Variant Server 0.00054; TOPMed 0.00083.
gnomAD v4.1: 244 of 1,614,156 alleles (0.015%); highest among the groups gnomAD compares: African/African-American, 0.2%; 1 homozygote.

Submissions (3):

Labcorp Genetics (formerly Invitae), Labcorp
Classification: Likely benign. Last evaluated: 2026-01-08. Review status: criteria provided, single submitter. Criteria: Invitae Variant Classification Sherloc (09022015). Collection method: clinical testing. Allele origin: germline.

Ambry Genetics
Classification: Uncertain significance for Inborn genetic diseases. Last evaluated: 2025-12-04. Review status: criteria provided, single submitter. Criteria: Ambry Variant Classification Scheme 2023. Collection method: clinical testing. Allele origin: germline.

PreventionGenetics, part of Exact Sciences
Classification: Likely benign for ADAMTS17-related condition. Last evaluated: 2025-02-05. Review status: criteria provided, single submitter. Criteria: ACMG Guidelines, 2015. Collection method: clinical testing. Allele origin: germline.
Comment: This variant is classified as likely benign based on ACMG/AMP sequence variant interpretation guidelines (Richards et al. 2015 PMID: 25741868, with internal and published modifications).

NM_139057.4(ADAMTS17):c.1841G>C (p.Arg614Pro)

Gene: ADAMTS17 (ADAM metallopeptidase with thrombospondin type 1 motif 17; minus strand). Cytogenetic location: 15q26.3.
Variant type: single nucleotide variant.
Coding change: c.1841G>C on transcript NM_139057.4 (MANE Select); coding-DNA position 1841, G replaced by C.
Protein change: p.Arg614Pro; replaces arginine 614 with proline.
Molecular consequence: missense variant.
Genome position (GRCh38, 1-based): chr15:100,116,894, C>G on the plus strand (G>C on the coding strand, the complement: ADAMTS17 is on the minus strand). VCF-style: chr15-100116894-C-G. GRCh37 (hg19) VCF-style: chr15-100657099-C-G.
Other names: c.1841G>C (NM_139057.2, NM_139057.3); short protein forms R614P.
Identifiers: ClinVar variation 1576582 (VCV001576582.11), dbSNP rs144928920, ClinGen allele CA7758043.
Genomic context (GRCh38, chr15:100,116,894, plus strand): 5'-CATATGCCTTTACCGTCAACCACCACGGCTGTCAGCAGGCCTTTCTTCTTGGGGCTCAGC[C>G]GGTCGTGTGCCTGGCACTGCTGGTCCCGGAAGCTGGGCAGACCCTTGGGGCAGGGCAGGT-3'
Protein context (NP_620688.2, residues 604-624): FRDQQCQAHD[Arg614Pro]LSPKKKGLLT